The following is an entry in ClinVar:

ClinVar aggregate classification (germline): Uncertain significance (1 of 4 stars; one submission).

Conditions:
HRG-related disorder. Also called: HRG-related condition.

Submission:

PreventionGenetics, part of Exact Sciences
Classification: Uncertain significance for HRG-related condition. Last evaluated: 2025-07-30. Review status: criteria provided, single submitter. Criteria: ACMG Guidelines, 2015. Collection method: clinical testing. Allele origin: germline.
Comment: The HRG c.572delG variant is predicted to result in a frameshift and premature protein termination (p.Gly191Glufs*36). To our knowledge, this variant has not been reported in the literature. This variant is reported in 0.0080% of alleles in individuals of African descent in gnomAD. Loss of function is not an established mechanism of HRG-related disease. At this time, the clinical significance of this variant is uncertain due to the absence of conclusive functional and genetic evidence.

NM_000412.5(HRG):c.572del (p.Gly191fs)

Gene: HRG (histidine rich glycoprotein; plus strand). Cytogenetic location: 3q27.3.
Variant type: Deletion.
Coding change: c.572del on transcript NM_000412.5 (MANE Select); coding-DNA position 572, one base deleted (G; older notation c.572delG).
Protein change: p.Gly191fs; shifts the reading frame from glycine 191.
Molecular consequence: frameshift variant.
Genome position (GRCh38, 1-based): chr3:186,672,800, G deleted; the last of 2 consecutive G bases (chr3:186,672,799-186,672,800); deleting either gives the same sequence. VCF-style (leftmost placement, unchanged base first): chr3-186672798-AG-A. GRCh37 (hg19) VCF-style: chr3-186390587-AG-A.
Other names: short protein forms G191fs.
Identifiers: ClinVar variation 4998785 (VCV004998785.1).
Genomic context (GRCh38, chr3:186,672,798, plus strand): 5'-CCTTTTTCTTTGTCTGTTCTTGAAACTATTTTGATCCCATCTGTTCTAGAGAGGAGGGGA[AG>A]GAACTGGTTACTTCGTGGACTTCTCTGTGCGGAACTGCCCCAGACACCATTTCCCCAGAC-3'